The following is an entry in ClinVar:

ClinVar aggregate classification (germline): Uncertain significance (1 of 4 stars; one submission).

Conditions:
Angelman syndrome (AS). Also called: HAPPY PUPPET SYNDROME. Identifiers: Orphanet 72, MedGen C0162635, MONDO:0007113, OMIM 105830. Disease mechanism: loss of function. Inheritance: AS is caused by disruption of maternally imprinted UBE3A located within the 15q11.2-q13 Angelman syndrome/Prader-Willi syndrome (AS/PWS) region., imprinting disorder.

gnomAD v4.1: 3 of 1,613,432 alleles (0.00019%); highest among the groups gnomAD compares: East Asian, 0.0022%; no homozygotes.

Submission:

Labcorp Genetics (formerly Invitae), Labcorp
Classification: Uncertain significance for Angelman syndrome. Last evaluated: 2024-11-04. Review status: criteria provided, single submitter. Criteria: Invitae Variant Classification Sherloc (09022015). Collection method: clinical testing. Allele origin: germline.
Comment: This sequence change replaces valine, which is neutral and non-polar, with phenylalanine, which is neutral and non-polar, at codon 762 of the UBE3A protein (p.Val762Phe). This variant is not present in population databases (gnomAD no frequency). This variant has not been reported in the literature in individuals affected with UBE3A-related conditions. Invitae Evidence Modeling of protein sequence and biophysical properties (such as structural, functional, and spatial information, amino acid conservation, physicochemical variation, residue mobility, and thermodynamic stability) indicates that this missense variant is not expected to disrupt UBE3A protein function with a negative predictive value of 80%. In summary, the available evidence is currently insufficient to determine the role of this variant in disease. Therefore, it has been classified as a Variant of Uncertain Significance.

NM_130839.5(UBE3A):c.2344G>T (p.Val782Phe)

Genes: SNHG14 (small nucleolar RNA host gene 14; plus strand), UBE3A (ubiquitin protein ligase E3A; minus strand). Cytogenetic location: 15q11.2.
Variant type: single nucleotide variant.
Coding change: c.2344G>T on transcript NM_130839.5 (MANE Select); coding-DNA position 2344, G replaced by T.
Protein change: p.Val782Phe; replaces valine 782 with phenylalanine.
Molecular consequence: missense variant. On other transcripts: non-coding transcript variant (1).
Genome position (GRCh38, 1-based): chr15:25,354,363, C>A on the plus strand (G>T on the coding strand, the complement: UBE3A is on the minus strand). VCF-style: chr15-25354363-C-A. GRCh37 (hg19) VCF-style: chr15-25599510-C-A.
Other names: c.2353G>T, p.Val785Phe (NM_000462.5); c.2344G>T, p.Val782Phe (NM_001354505.1, NM_001354538.2); c.2284G>T, p.Val762Phe (NM_001354506.2, NM_001354507.2, NM_001354508.2 and 14 more transcripts); c.2128G>T, p.Val710Phe (NM_001354547.2, NM_001354548.2); c.2119G>T, p.Val707Phe (NM_001354549.2); c.1093G>T, p.Val365Phe (NM_001354550.2); c.1033G>T, p.Val345Phe (NM_001354551.2); c.2188G>T, p.Val730Phe (NM_001354545.2); and 1 more; short protein forms V710F, V723F, V762F, V345F, V365F, V707F, V730F, V782F.
Identifiers: ClinVar variation 3665496 (VCV003665496.2).